The following is an entry in ClinVar:

NM_003896.4(ST3GAL5):c.359del (p.Cys120fs)

Gene: ST3GAL5 (ST3 beta-galactoside alpha-2,3-sialyltransferase 5; minus strand). Cytogenetic location: 2p11.2.
Variant type: Deletion.
Coding change: c.359del on transcript NM_003896.4 (MANE Select); coding-DNA position 359, one base deleted (G; older notation c.359delG).
Protein change: p.Cys120fs; shifts the reading frame from cysteine 120.
Molecular consequence: frameshift variant. On other transcripts: 5 prime UTR variant (7).
Genome position (GRCh38, 1-based): chr2:85,848,164, C deleted on the plus strand (G on the coding strand, the reverse complement: ST3GAL5 is on the minus strand). VCF-style (leftmost placement, unchanged base first): chr2-85848163-AC-A. GRCh37 (hg19) VCF-style: chr2-86075286-AC-A.
Other names: c.290del, p.Cys97fs (NM_001042437.2); c.-26del (NM_001354223.2, NM_001354224.2, NM_001354226.2 and 3 more transcripts); c.275del, p.Cys92fs (NM_001354227.2, NM_001354229.2, NM_001354238.1); c.-546del (NM_001354247.1); c.359del, p.Cys120fs (NM_001363847.1); short protein forms C97fs, C92fs, C120fs.
Identifiers: ClinVar variation 2770576 (VCV002770576.3), dbSNP rs1683042337, ClinGen allele CA1033090018.

ClinVar aggregate classification (germline): Pathogenic (1 of 4 stars; one submission).

Conditions:
GM3 synthase deficiency (SPDRS). Also called: AMISH INFANTILE EPILEPSY SYNDROME; SALT AND PEPPER MENTAL RETARDATION SYNDROME; SALT AND PEPPER DEVELOPMENTAL REGRESSION SYNDROME. Identifiers: Orphanet 171714, Orphanet 370933, MedGen C1836824, MONDO:0018274, OMIM 609056.

Allele frequency attached by ClinVar (database versions not stated): TOPMed below 0.00001; gnomAD 0.00001.

Submission:

Labcorp Genetics (formerly Invitae), Labcorp
Classification: Pathogenic for GM3 synthase deficiency. Last evaluated: 2023-10-22. Review status: criteria provided, single submitter. Criteria: Invitae Variant Classification Sherloc (09022015). Collection method: clinical testing. Allele origin: germline.
Comment: This sequence change creates a premature translational stop signal (p.Cys120Phefs*68) in the ST3GAL5 gene. It is expected to result in an absent or disrupted protein product. Loss-of-function variants in ST3GAL5 are known to be pathogenic (PMID: 15502825, 22990144, 27232954). This variant is not present in population databases (gnomAD no frequency). This variant has not been reported in the literature in individuals affected with ST3GAL5-related conditions. For these reasons, this variant has been classified as Pathogenic.

Literature cited by the submitters: PubMed 15502825; PubMed 22990144; PubMed 27232954.